The following is an entry in ClinVar:

ClinVar aggregate classification (germline): Likely benign (1 of 4 stars; one submission).

Submission:

GeneDx
Classification: Likely benign. Last evaluated: 2016-10-28. Review status: criteria provided, single submitter. Criteria: GeneDx Variant Classification (06012015). Collection method: clinical testing. Allele origin: germline. Affected: yes.
Comment: This variant is considered likely benign or benign based on one or more of the following criteria: it is a conservative change, it occurs at a poorly conserved position in the protein, it is predicted to be benign by multiple in silico algorithms, and/or has population frequency not consistent with disease.

NM_001378120.1(MBD5):c.-693A>G

Gene: MBD5 (methyl-CpG binding domain protein 5; plus strand). Cytogenetic location: 2q23.1.
Variant type: single nucleotide variant.
Coding change: c.-693A>G on transcript NM_001378120.1 (MANE Select); 693 bases upstream of the start codon, A replaced by G.
Molecular consequence: 5 prime UTR variant.
Genome position (GRCh38, 1-based): chr2:148,233,382, A>G. VCF-style: chr2-148233382-A-G. GRCh37 (hg19) VCF-style: chr2-148990951-A-G.
Other names: c.-693A>G (NM_018328.5).
Identifiers: ClinVar variation 390534 (VCV000390534.1), dbSNP rs1057523808, ClinGen allele CA16603899.
Genomic context (GRCh38, chr2:148,233,382, plus strand): 5'-CTTTAGTTCCATCAAACACAGAGGAATGACCACCATGGCAGATGGCAACAGAGGATGTCA[A>G]CAATTTTTTGGAGGCAAGCAATGAAATATTTCTACTATGAGTTTTCTGTTATTAATCATG-3'